The following is an entry in ClinVar:

NC_000023.10:g.(?_32429859)_(32563461_?)del

Gene: DMD (dystrophin; minus strand). Cytogenetic location: Xp21.1.
Variant type: Deletion.
Identifiers: ClinVar variation 2424896 (VCV002424896.5).

ClinVar aggregate classification (germline): Pathogenic (1 of 4 stars; one submission).

Conditions:
Duchenne muscular dystrophy (DMD). Also called: Duchenne Muscular Dystrophy (DMD); MUSCULAR DYSTROPHY, PSEUDOHYPERTROPHIC PROGRESSIVE, DUCHENNE TYPE. Identifiers: Orphanet 98896, MedGen C0013264, MONDO:0010679, OMIM 310200.

Submission:

Labcorp Genetics (formerly Invitae), Labcorp
Classification: Pathogenic for Duchenne muscular dystrophy. Last evaluated: 2022-05-27. Review status: criteria provided, single submitter. Criteria: Invitae Variant Classification Sherloc (09022015). Collection method: clinical testing. Allele origin: germline.
Comment: For these reasons, this variant has been classified as Pathogenic. This variant disrupts a region of the DMD protein in which other variant(s) (Deletion (Exon 30)) have been determined to be pathogenic (Invitae). This suggests that this is a clinically significant region of the protein, and that variants that disrupt it are likely to be disease-causing. A similar copy number variant has been observed in individual(s) with Duchenne muscular dystrophy (PMID: 23453023). This variant is a gross deletion of the genomic region encompassing exon(s) 17-30 of the DMD gene. This variant would be expected to be in-frame, preserving the integrity of the reading frame.

Literature cited by the submitters: PubMed 23453023.